The following is an entry in ClinVar:

ClinVar aggregate classification (germline): Uncertain significance (1 of 4 stars; one submission).

Conditions:
Nephronophthisis 14 (NPHP14). Identifiers: Orphanet 2318, MedGen C3539071, MONDO:0013916, OMIM 614844.

Submission:

Labcorp Genetics (formerly Invitae), Labcorp
Classification: Uncertain significance for Nephronophthisis 14. Last evaluated: 2021-05-03. Review status: criteria provided, single submitter. Criteria: Invitae Variant Classification Sherloc (09022015). Collection method: clinical testing. Allele origin: germline.
Comment: In summary, the available evidence is currently insufficient to determine the role of this variant in disease. Therefore, it has been classified as a Variant of Uncertain Significance. Algorithms developed to predict the effect of missense changes on protein structure and function (SIFT, PolyPhen-2, Align-GVGD) all suggest that this variant is likely to be tolerated, but these predictions have not been confirmed by published functional studies and their clinical significance is uncertain. This variant has not been reported in the literature in individuals with ZNF423-related conditions. This variant is not present in population databases (ExAC no frequency). This sequence change replaces valine with leucine at codon 282 of the ZNF423 protein (p.Val282Leu). The valine residue is highly conserved and there is a small physicochemical difference between valine and leucine.

NM_001379286.1(ZNF423):c.868G>T (p.Val290Leu)

Gene: ZNF423 (zinc finger protein 423; minus strand). Cytogenetic location: 16q12.1.
Variant type: single nucleotide variant.
Coding change: c.868G>T on transcript NM_001379286.1 (MANE Select); coding-DNA position 868, G replaced by T.
Protein change: p.Val290Leu; replaces valine 290 with leucine.
Molecular consequence: missense variant.
Genome position (GRCh38, 1-based): chr16:49,638,308, C>A on the plus strand (G>T on the coding strand, the complement: ZNF423 is on the minus strand). VCF-style: chr16-49638308-C-A. GRCh37 (hg19) VCF-style: chr16-49672219-C-A.
Other names: c.664G>T, p.Val222Leu (NM_001271620.2); c.493G>T, p.Val165Leu (NM_001330533.2); c.844G>T, p.Val282Leu (NM_015069.5); short protein forms V165L, V222L, V290L, V282L.
Identifiers: ClinVar variation 1378992 (VCV001378992.8), dbSNP rs376939875, ClinGen allele CA395851155.